The following is an entry in ClinVar:

NM_001267550.2(TTN):c.61742T>G (p.Val20581Gly)

Genes: TTN (titin; minus strand), TTN-AS1 (TTN antisense RNA 1; plus strand). Cytogenetic location: 2q31.2.
Variant type: single nucleotide variant.
Coding change: c.61742T>G on transcript NM_001267550.2 (MANE Select); coding-DNA position 61742, T replaced by G.
Protein change: p.Val20581Gly; replaces valine 20581 with glycine.
Molecular consequence: missense variant.
Genome position (GRCh38, 1-based): chr2:178,589,983, A>C on the plus strand (T>G on the coding strand, the complement: TTN is on the minus strand). VCF-style: chr2-178589983-A-C. GRCh37 (hg19) VCF-style: chr2-179454710-A-C.
Other names: c.54038T>G, p.Val18013Gly (NM_133378.4); c.56819T>G, p.Val18940Gly (NM_001256850.1); c.34547T>G, p.Val11516Gly (NM_003319.4); c.34922T>G, p.Val11641Gly (NM_133432.3); c.35123T>G, p.Val11708Gly (NM_133437.4); short protein forms V18013G, V20581G, V18940G, V11516G, V11641G, V11708G.
Identifiers: ClinVar variation 179409 (VCV000179409.5), dbSNP rs727504849, ClinGen allele CA184361.

ClinVar aggregate classification (germline): Uncertain significance (1 of 4 stars; one submission).

Allele frequency attached by ClinVar (database versions not stated): gnomAD exomes below 0.00001.
gnomAD v4.1: 3 of 1,613,186 alleles (0.00019%); highest among the groups gnomAD compares: Non-Finnish European, 0.00025%; no homozygotes.

Submission:

Laboratory for Molecular Medicine, Mass General Brigham Personalized Medicine
Classification: Uncertain significance. Last evaluated: 2013-11-20. Review status: criteria provided, single submitter. Criteria: LMM Criteria. Collection method: clinical testing. Allele origin: germline. Observed: 1 variant allele.
Comment: The Val18013Gly variant in TTN has not been previously reported in individuals w ith cardiomyopathy or in large population studies. Computational analyses (bioch emical amino acid properties, conservation, AlignGVGD, PolyPhen2, and SIFT) do n ot provide strong support for or against an impact to the protein. Additional in formation is needed to fully assess the clinical significance of the Val18013Gly variant.